The following is an entry in ClinVar:

ClinVar aggregate classification (germline): Benign (1 of 4 stars; one submission).

Allele frequency attached by ClinVar (database versions not stated): TOPMed 0.41819; gnomAD 0.42756 and 0.43845; 1000 Genomes Project 30x 0.47767; 1000 Genomes Project 0.48762; gnomAD exomes 0.50811.

Submission:

GeneDx
Classification: Benign. Last evaluated: 2018-06-14. Review status: criteria provided, single submitter. Criteria: GeneDx Variant Classification (06012015). Collection method: clinical testing. Allele origin: germline. Affected: yes.
Comment: This variant is considered likely benign or benign based on one or more of the following criteria: it is a conservative change, it occurs at a poorly conserved position in the protein, it is predicted to be benign by multiple in silico algorithms, and/or has population frequency not consistent with disease.

NM_001999.4(FBN2):c.4879+138C>T

Gene: FBN2 (fibrillin 2; minus strand). Cytogenetic location: 5q23.3.
Variant type: single nucleotide variant.
Coding change: c.4879+138C>T on transcript NM_001999.4 (MANE Select); 138 bases into the intron after coding-DNA position 4879, C replaced by T.
Molecular consequence: intron variant.
Genome position (GRCh38, 1-based): chr5:128,312,496, G>A on the plus strand (C>T on the coding strand, the complement: FBN2 is on the minus strand). VCF-style: chr5-128312496-G-A. GRCh37 (hg19) VCF-style: chr5-127648188-G-A.
Identifiers: ClinVar variation 672321 (VCV000672321.1), dbSNP rs461146, ClinGen allele CA15389874.
Genomic context (GRCh38, chr5:128,312,496, plus strand): 5'-TGATAAAACATAGGAAGAGAGGAATTCAAATCCTTTAACATTCTTGGCTGGTTTCAGAGT[G>A]ATCACTGAAAGTAGTTCAAATTCAGTTTTTTTGTTTTGTCCTCACTAAACACTCCTCACT-3'